The following is an entry in ClinVar:

ClinVar aggregate classification (germline): Uncertain significance (1 of 4 stars; one submission).

Conditions:
Autosomal dominant nonsyndromic hearing loss 7. Also called: Deafness, autosomal dominant 7. Identifiers: Orphanet 90635, MedGen C1832379, MONDO:0011074, OMIM 601412.

gnomAD v4.1: 1 of 1,614,224 alleles (0.000062%); highest among the groups gnomAD compares: South Asian, 0.0011%; no homozygotes.

Submission:

Laboratory of Prof. Karen Avraham, Tel Aviv University
Classification: Uncertain significance for Autosomal dominant nonsyndromic hearing loss 7. Last evaluated: 2026-01-15. Review status: criteria provided, single submitter. Criteria: ACMG Guidelines, 2015. Collection method: research. Allele origin: germline. Inheritance: Autosomal dominant inheritance. Affected: yes. Observed: 1 heterozygote.
Comment: LMX1A is a known hearing loss–associated gene. The variant is extremely rare in gnomAD and is predicted to be deleterious by in silico tools; however, in the absence of segregation data, it was classified as a variant of uncertain significance (VUS).

NM_177398.4(LMX1A):c.550G>A (p.Gly184Arg)

Gene: LMX1A (LIM homeobox transcription factor 1 alpha; minus strand). Cytogenetic location: 1q23.3.
Variant type: single nucleotide variant.
Coding change: c.550G>A on transcript NM_177398.4 (MANE Select); coding-DNA position 550, G replaced by A.
Protein change: p.Gly184Arg; replaces glycine 184 with arginine.
Molecular consequence: missense variant.
Genome position (GRCh38, 1-based): chr1:165,213,760, C>T on the plus strand (G>A on the coding strand, the complement: LMX1A is on the minus strand). VCF-style: chr1-165213760-C-T. GRCh37 (hg19) VCF-style: chr1-165182997-C-T.
Other names: c.550G>A, p.Gly184Arg (NM_001174069.2); short protein forms G184R.
Identifiers: ClinVar variation 4685531 (VCV004685531.1).